The following is an entry in ClinVar:

NM_000169.3(GLA):c.253G>A (p.Gly85Ser)

Genes: GLA (galactosidase alpha; minus strand), RPL36A-HNRNPH2 (RPL36A-HNRNPH2 readthrough; plus strand). Cytogenetic location: Xq22.1.
Variant type: single nucleotide variant.
Coding change: c.253G>A on transcript NM_000169.3 (MANE Select); coding-DNA position 253, G replaced by A.
Protein change: p.Gly85Ser; replaces glycine 85 with serine.
Molecular consequence: missense variant. On other transcripts: non-coding transcript variant (3), intron variant (2).
Genome position (GRCh38, 1-based): chrX:101,403,927, C>T on the plus strand (G>A on the coding strand, the complement: GLA is on the minus strand). VCF-style: chrX-101403927-C-T. GRCh37 (hg19) VCF-style: chrX-100658915-C-T.
Other names: c.376G>A, p.Gly126Ser (NM_001406747.1, NM_001406749.1); c.253G>A, p.Gly85Ser (NM_001406748.1); c.301-8009C>T (NM_001199973.2); c.178-8009C>T (NM_001199974.2); short protein forms G126S, G85S.
Identifiers: ClinVar variation 4087314 (VCV004087314.2).

ClinVar aggregate classification (germline): Likely pathogenic (1 of 4 stars; one submission).

Conditions:
Fabry disease. Also called: ALPHA-GALACTOSIDASE A DEFICIENCY; ANDERSON-FABRY DISEASE; CERAMIDE TRIHEXOSIDASE DEFICIENCY; GLA DEFICIENCY; HEREDITARY DYSTOPIC LIPIDOSIS; Angiokeratoma corporis diffusum. Identifiers: Orphanet 324, MedGen C0002986, MONDO:0010526, OMIM 301500, HP:0001071. Disease mechanism: Fabry disease is due to inactivating mutations in the X-linked GLA gene resulting in deficiency of the enzyme Alpha Galactosidase-A., loss of function.

Submission:

Genomenon, Inc
Classification: Likely pathogenic for Fabry disease. Last evaluated: 2026-09-08. Review status: criteria provided, single submitter. Criteria: Genomenon Sequence Variant Interpretation Standards - Updated. Collection method: curation. Allele origin: germline. Affected: yes.
Comment: GLA p.Gly85Ser (c.253G>A) is a missense variant that changes the amino acid at codon 85 from Glycine to Serine. This variant has been observed in at least one proband with clinical features consistent with Fabry disease (PMID:20022777). Functional or patient cell studies have been reported (PMID:31036492;27657681). This variant is located in a mutational hotspot and/or important functional domain. It is absent or not present at a significant frequency in gnomAD. In silico models predict that this variant is possibly or probably damaging. In conclusion, we classify GLA p.Gly85Ser (c.253G>A) as a likely pathogenic variant.

Literature cited by the submitters: PubMed 20022777; PubMed 31036492; PubMed 27657681.